The following is an entry in ClinVar:

NM_002582.4(PARN):c.919G>A (p.Asp307Asn)

Gene: PARN (poly(A)-specific ribonuclease; minus strand). Cytogenetic location: 16p13.12.
Variant type: single nucleotide variant.
Coding change: c.919G>A on transcript NM_002582.4 (MANE Select); coding-DNA position 919, G replaced by A.
Protein change: p.Asp307Asn; replaces aspartic acid 307 with asparagine.
Molecular consequence: missense variant.
Genome position (GRCh38, 1-based): chr16:14,586,361, C>T on the plus strand (G>A on the coding strand, the complement: PARN is on the minus strand). VCF-style: chr16-14586361-C-T. GRCh37 (hg19) VCF-style: chr16-14680218-C-T.
Other names: c.736G>A, p.Asp246Asn (NM_001134477.3); c.781G>A, p.Asp261Asn (NM_001242992.2); short protein forms D246N, D261N, D307N.
Identifiers: ClinVar variation 946539 (VCV000946539.10), dbSNP rs755489002, ClinGen allele CA278512454.

ClinVar aggregate classification (germline): Uncertain significance (1 of 4 stars; one submission).

Conditions:
Dyskeratosis congenita, autosomal recessive 6 (DKCB6). Identifiers: MedGen C4225356, MONDO:0014600, OMIM 616353.
Pulmonary fibrosis and/or bone marrow failure, Telomere-related, 4. Also called: PULMONARY FIBROSIS AND/OR BONE MARROW FAILURE SYNDROME, TELOMERE-RELATED, 4. Identifiers: Orphanet 2032, MedGen C4225347, MONDO:0014612, OMIM 616371.

Allele frequency attached by ClinVar (database versions not stated): TOPMed below 0.00001.

Submission:

Labcorp Genetics (formerly Invitae), Labcorp
Classification: Uncertain significance for Dyskeratosis congenita, autosomal recessive 6; Pulmonary fibrosis and/or bone marrow failure, Telomere-related, 4. Last evaluated: 2024-03-11. Review status: criteria provided, single submitter. Criteria: Invitae Variant Classification Sherloc (09022015). Collection method: clinical testing. Allele origin: germline.
Comment: This sequence change replaces aspartic acid, which is acidic and polar, with asparagine, which is neutral and polar, at codon 307 of the PARN protein (p.Asp307Asn). This variant is not present in population databases (gnomAD no frequency). This variant has not been reported in the literature in individuals affected with PARN-related conditions. ClinVar contains an entry for this variant (Variation ID: 946539). An algorithm developed to predict the effect of missense changes on protein structure and function (PolyPhen-2) suggests that this variant is likely to be tolerated. Algorithms developed to predict the effect of sequence changes on RNA splicing suggest that this variant may disrupt the consensus splice site. In summary, the available evidence is currently insufficient to determine the role of this variant in disease. Therefore, it has been classified as a Variant of Uncertain Significance.